The following is an entry in ClinVar:

ClinVar aggregate classification (germline): Uncertain significance (1 of 4 stars; one submission).

Conditions:
Ataxia-telangiectasia syndrome (AT). Also called: Ataxia-telangiectasia, complementation group D; AT, COMPLEMENTATION GROUP C; ATAXIA-TELANGIECTASIA, COMPLEMENTATION GROUP A; ATAXIA-TELANGIECTASIA, FRESNO VARIANT; Ataxia-telangiectasia; Ataxia-telangiectasia, complementation group E. Identifiers: Orphanet 100, MedGen C0004135, MONDO:0008840, OMIM 208900.

Submission:

Labcorp Genetics (formerly Invitae), Labcorp
Classification: Uncertain significance for Ataxia-telangiectasia syndrome. Last evaluated: 2024-10-30. Review status: criteria provided, single submitter. Criteria: Invitae Variant Classification Sherloc (09022015). Collection method: clinical testing. Allele origin: germline.
Comment: This sequence change replaces arginine, which is basic and polar, with glycine, which is neutral and non-polar, at codon 2032 of the ATM protein (p.Arg2032Gly). This variant is not present in population databases (gnomAD no frequency). This variant has not been reported in the literature in individuals affected with ATM-related conditions. An algorithm developed to predict the effect of missense changes on protein structure and function (PolyPhen-2) suggests that this variant is likely to be disruptive. Studies have shown that this missense change is associated with inconclusive levels of altered splicing (internal data). This variant disrupts the p.Arg2032 amino acid residue in ATM. Other variant(s) that disrupt this residue have been determined to be pathogenic (PMID: 9887333, 10330348, 10980530, 16266405, 22585167, 25614872, 26506520, 27159176). This suggests that this residue is clinically significant, and that variants that disrupt this residue are likely to be disease-causing. In summary, the available evidence is currently insufficient to determine the role of this variant in disease. Therefore, it has been classified as a Variant of Uncertain Significance.

Literature cited by the submitters: PubMed 9887333; PubMed 10330348; PubMed 10980530; PubMed 16266405; PubMed 22585167; PubMed 25614872; PubMed 26506520; PubMed 27159176.

NM_000051.4(ATM):c.6094A>G (p.Arg2032Gly)

Genes: ATM (ATM serine/threonine kinase; plus strand), C11orf65 (chromosome 11 open reading frame 65; minus strand). Cytogenetic location: 11q22.3.
Variant type: single nucleotide variant.
Coding change: c.6094A>G on transcript NM_000051.4 (MANE Select); coding-DNA position 6094, A replaced by G.
Protein change: p.Arg2032Gly; replaces arginine 2032 with glycine.
Molecular consequence: missense variant. On other transcripts: intron variant (2).
Genome position (GRCh38, 1-based): chr11:108,315,910, A>G. VCF-style: chr11-108315910-A-G. GRCh37 (hg19) VCF-style: chr11-108186637-A-G.
Other names: c.6094A>G, p.Arg2032Gly (NM_001351834.2); c.641-6839T>C (NM_001330368.2); c.*39-6839T>C (NM_001351110.2); short protein forms R2032G.
Identifiers: ClinVar variation 3722304 (VCV003722304.2).
Genomic context (GRCh38, chr11:108,315,910, plus strand): 5'-ATAGGGGAGCCAGATAGTTTGTATGGCTGTGGTGGAGGGAAGATGTTACAACCCATTACT[A>G]GGTAAATTGCATTTTTCTAAACAACGGTATAGTAATTCTGTTTATGAAGGAGTTATGTGT-3'
Protein context (NP_000042.3, residues 2022-2042): GGGKMLQPIT[Arg2032Gly]LRTYEHEAMW